The following is an entry in ClinVar:

ClinVar aggregate classification (germline): Pathogenic (1 of 4 stars; one submission).

Conditions:
Multiple endocrine neoplasia, type 1 (MEN1). Also called: Endocrine adenomatosis multiple; MEN 1; MEA I; MEN I; WERMER SYNDROME. Identifiers: Orphanet 652, MedGen C0025267, MeSH D018761, MONDO:0007540, OMIM 131100.

Submission:

Labcorp Genetics (formerly Invitae), Labcorp
Classification: Pathogenic for Multiple endocrine neoplasia, type 1. Last evaluated: 2019-07-24. Review status: criteria provided, single submitter. Criteria: Invitae Variant Classification Sherloc (09022015). Collection method: clinical testing. Allele origin: unknown.
Comment: For these reasons, this variant has been classified as Pathogenic. This variant disrupts the C-terminus of the MEN1 protein. Other variant(s) that disrupt this region (p.Arg516Glyfs*43, p.Gly548Valfs*23) have been determined to be pathogenic (PMID: 215689, 17065424, 23321498, Invitae). This suggests that variants that disrupt this region of the protein are likely to be causative of disease. This variant has not been reported in the literature in individuals with MEN1-related conditions. This variant is a complex rearrangement that results in deletion of the genomic region encompassing part of exon 10 of the MEN1 gene, as well as the region beyond the 3' UTR of the MEN1 gene (c.1497_*840106delins19). While this deletion is not anticipated to result in nonsense mediated decay, it is expected to create a truncated protein product or disrupt mRNA translation.

Literature cited by the submitters: PubMed 215689; PubMed 17065424; PubMed 23321498.

NC_000011.9:g.(?_63731700)_(64572142_?)del

Genes: BAD (BCL2 associated agonist of cell death; minus strand), CATSPERZ (catsper channel auxiliary subunit zeta; plus strand), CCDC88B (coiled-coil and HOOK domain protein 88B; plus strand), COX8A (cytochrome c oxidase subunit 8A; plus strand), DNAJC4 (DnaJ heat shock protein family (Hsp40) member C4; plus strand) and 25 more. Cytogenetic location: 11q13.1.
Variant type: Deletion.
Identifiers: ClinVar variation 3244550 (VCV003244550.1).